The following is an entry in ClinVar:

ClinVar aggregate classification (germline): Benign. Review status: criteria provided, multiple submitters, no conflicts (2 of 4 stars). 3 submissions from 3 submitters: Benign (2). 1 of the submissions does not count toward it. Last evaluated 2019-12-31.

Conditions:
AMTN-related disorder. Also called: AMTN-related condition.

Allele frequency attached by ClinVar (database versions not stated): 1000 Genomes Project 30x 0.01546; gnomAD 0.01631 and 0.01507; gnomAD exomes 0.00366 and 0.00144; 1000 Genomes Project 0.01877; ExAC 0.00451; ESP Exome Variant Server 0.01615; TOPMed 0.01657.
gnomAD v4.1: 4,512 of 1,614,026 alleles (0.28%); highest among the groups gnomAD compares: African/African-American, 5.4%; 119 homozygotes.

Submissions (3):

Labcorp Genetics (formerly Invitae), Labcorp
Classification: Benign. Last evaluated: 2019-12-31. Review status: criteria provided, single submitter. Criteria: Invitae Variant Classification Sherloc (09022015). Collection method: clinical testing. Allele origin: germline.

Breakthrough Genomics
Classification: Benign. Review status: criteria provided, single submitter. Criteria: ACMG Guidelines, 2015. Collection method: not provided. Allele origin: germline. Inheritance: Autosomal dominant inheritance. Affected: yes.

PreventionGenetics, part of Exact Sciences
Classification: Benign for AMTN-related condition. Last evaluated: 2019-03-14. Review status: no assertion criteria provided. Collection method: clinical testing. Allele origin: germline. Not counted in ClinVar's aggregate classification.
Comment: This variant is classified as benign based on ACMG/AMP sequence variant interpretation guidelines (Richards et al. 2015 PMID: 25741868, with internal and published modifications).

NM_212557.4(AMTN):c.530G>T (p.Gly177Val)

Gene: AMTN (amelotin; plus strand). Cytogenetic location: 4q13.3.
Variant type: single nucleotide variant.
Coding change: c.530G>T on transcript NM_212557.4 (MANE Select); coding-DNA position 530, G replaced by T.
Protein change: p.Gly177Val; replaces glycine 177 with valine.
Molecular consequence: missense variant.
Genome position (GRCh38, 1-based): chr4:70,531,211, G>T. VCF-style: chr4-70531211-G-T. GRCh37 (hg19) VCF-style: chr4-71396928-G-T.
Other names: c.527G>T, p.Gly176Val (NM_001286731.2); short protein forms G176V, G177V.
Identifiers: ClinVar variation 780464 (VCV000780464.7), dbSNP rs61755875, ClinGen allele CA2951097.
Genomic context (GRCh38, chr4:70,531,211, plus strand): 5'-GAGCAGGTGTAAATCCTGCCACCCAGGGAACCCCAGCAGGCCGCCTCCCAACTCCCAGTG[G>T]CACAGATGACGACTTTGCAGTGACCACCCCTGCAGGCATCCAAAGGAGCACACATGCCAT-3'
Protein context (NP_997722.1, residues 167-187): TPAGRLPTPS[Gly177Val]TDDDFAVTTP